The following is an entry in ClinVar:

NM_001830.4(CLCN4):c.2153G>A (p.Arg718Gln)

Gene: CLCN4 (Cl-/H+ antiporter 4; plus strand). Cytogenetic location: Xp22.2.
Variant type: single nucleotide variant.
Coding change: c.2153G>A on transcript NM_001830.4 (MANE Select); coding-DNA position 2153, G replaced by A.
Protein change: p.Arg718Gln; replaces arginine 718 with glutamine.
Molecular consequence: missense variant.
Genome position (GRCh38, 1-based): chrX:10,220,838, G>A. VCF-style: chrX-10220838-G-A. GRCh37 (hg19) VCF-style: chrX-10188878-G-A.
Other names: c.1871G>A, p.Arg624Gln (NM_001256944.2); short protein forms R718Q, R624Q.
Identifiers: ClinVar variation 521940 (VCV000521940.17), dbSNP rs779824005, ClinGen allele CA10347348.

ClinVar aggregate classification (germline): Conflicting classifications of pathogenicity. Review status: criteria provided, conflicting classifications (1 of 4 stars). 5 submissions from 5 submitters: Likely pathogenic (1); Uncertain significance (2); Likely benign (2). Last evaluated 2025-07-30.

Conditions:
Inborn genetic diseases. Identifiers: MedGen C0950123, MeSH D030342.
Intellectual disability, X-linked 49 (MRXSRC). Also called: MENTAL RETARDATION, X-LINKED 15; CLCN4-related X-linked intellectual disability syndrome; RAYNAUD-CLAES SYNDROME; MRX49; CLCN4-Related Neurodevelopmental Disorder. Identifiers: Orphanet 485350, Orphanet 777, MedGen C0796221, MONDO:0010250, OMIM 300114.

Allele frequency attached by ClinVar (database versions not stated): gnomAD exomes 0.00001; ExAC 0.00002; gnomAD 0.00003; TOPMed 0.00011.
gnomAD v4.1: 11 of 1,210,197 alleles (0.00091%); highest among the groups gnomAD compares: Admixed American, 0.013%; no homozygotes.

Submissions (5):

Labcorp Genetics (formerly Invitae), Labcorp
Classification: Uncertain significance. Last evaluated: 2025-07-30. Review status: criteria provided, single submitter. Criteria: Invitae Variant Classification Sherloc (09022015). Collection method: clinical testing. Allele origin: germline.
Comment: This sequence change replaces arginine, which is basic and polar, with glutamine, which is neutral and polar, at codon 718 of the CLCN4 protein (p.Arg718Gln). This variant is present in population databases (rs779824005, gnomAD 0.004%). This missense change has been observed in individual(s) with CLCN4-related conditions (PMID: 36385166). ClinVar contains an entry for this variant (Variation ID: 521940). Invitae Evidence Modeling of protein sequence and biophysical properties (such as structural, functional, and spatial information, amino acid conservation, physicochemical variation, residue mobility, and thermodynamic stability) has been performed for this missense variant. However, the output from this modeling did not meet the statistical confidence thresholds required to predict the impact of this variant on CLCN4 protein function. Experimental studies have shown that this missense change does not substantially affect CLCN4 function (PMID: 36385166). This variant disrupts the p.Arg718 amino acid residue in CLCN4. Other variant(s) that disrupt this residue have been determined to be pathogenic (PMID: 27550844, 29314583). This suggests that this residue is clinically significant, and that variants that disrupt this residue are likely to be disease-causing. In summary, the available evidence is currently insufficient to determine the role of this variant in disease. Therefore, it has been classified as a Variant of Uncertain Significance.

Ambry Genetics
Classification: Likely benign for Inborn genetic diseases. Last evaluated: 2024-05-14. Review status: criteria provided, single submitter. Criteria: Ambry Variant Classification Scheme 2023. Collection method: clinical testing. Allele origin: germline.

Genetics Laboratory, UDIAT-Centre Diagnòstic, Hospital Universitari Parc Tauli
Classification: Likely benign. Last evaluated: 2022-12-07. Review status: criteria provided, single submitter. Criteria: Parc Tauli Hospital Assertion Criteria 2021. Collection method: clinical testing. Allele origin: maternal. Inheritance: X-linked inheritance. Affected: yes. Observed: 1 hemizygote.
Comment: PM1_moderate;PM2_supporting;PM5_moderate;PP2_supporting;PP3_supporting;BS3_strong;B4_strong. For this reason, the variant was reclassified from likely pathogenic to likely benign

GeneDx
Classification: Likely pathogenic. Last evaluated: 2022-08-19. Review status: criteria provided, single submitter. Criteria: GeneDx Variant Classification Process June 2021. Collection method: clinical testing. Allele origin: germline. Affected: yes.
Comment: Identified as a paternally inherited variant in an individual from a cohort of patients with autism spectrum disorder in published literature (Geisheker et al., 2017); In silico analysis supports that this missense variant has a deleterious effect on protein structure/function; Not observed at significant frequency in large population cohorts (gnomAD); This variant is associated with the following publications: (PMID: 26034137, 28628100, 27550844, 25644381, 23647072)

New York Genome Center
Classification: Uncertain significance for Intellectual disability, X-linked 49. Last evaluated: 2021-06-23. Review status: criteria provided, single submitter. Criteria: NYGC Assertion Criteria 2020. Collection method: clinical testing. Allele origin: inherited. Observed: 1 heterozygote. Study: CSER-NYCKidSeq.

Literature cited by the submitters: PubMed 36385166 (cited by Labcorp Genetics (formerly Invitae), Labcorp and Ambry Genetics); PubMed 27550844 (cited by Labcorp Genetics (formerly Invitae), Labcorp); PubMed 29314583 (cited by Labcorp Genetics (formerly Invitae), Labcorp); PubMed 28518168 (cited by Ambry Genetics); PubMed 32461654 (cited by Ambry Genetics).